The following is an entry in ClinVar:

NM_001318170.2(MPP7):c.357C>T (p.Tyr119=)

Gene: MPP7 (MAGUK p55 scaffold protein 7; minus strand). Cytogenetic location: 10p12.1.
Variant type: single nucleotide variant.
Coding change: c.357C>T on transcript NM_001318170.2 (MANE Select); coding-DNA position 357, C replaced by T.
Protein change: p.Tyr119=; no amino-acid change (tyrosine 119 retained).
Molecular consequence: synonymous variant. On other transcripts: non-coding transcript variant (2).
Genome position (GRCh38, 1-based): chr10:28,131,650, G>A on the plus strand (C>T on the coding strand, the complement: MPP7 is on the minus strand). VCF-style: chr10-28131650-G-A. GRCh37 (hg19) VCF-style: chr10-28420579-G-A.
Other names: c.357C>T, p.Tyr119= (NM_173496.5).
Identifiers: ClinVar variation 2640382 (VCV002640382.24), dbSNP rs145809120, ClinGen allele CA5454394.

ClinVar aggregate classification (germline): Likely benign (1 of 4 stars; one submission).

Allele frequency attached by ClinVar (database versions not stated): 1000 Genomes Project 30x 0.00016; 1000 Genomes Project 0.00020; gnomAD 0.00043; gnomAD exomes 0.00050; ExAC 0.00061; TOPMed 0.00065; ESP Exome Variant Server 0.00100.
gnomAD v4.1: 806 of 1,602,908 alleles (0.05%); highest among the groups gnomAD compares: Non-Finnish European, 0.06%; no homozygotes.

Submission:

CeGaT Center for Human Genetics Tuebingen
Classification: Likely benign. Last evaluated: 2022-08-01. Review status: criteria provided, single submitter. Criteria: CeGaT Center For Human Genetics Tuebingen Variant Classification Criteria Version 2. Collection method: clinical testing. Allele origin: germline. Affected: yes. Observed: 1 variant allele.
Comment: MPP7: BP4, BP7